The following is an entry in ClinVar:

ClinVar aggregate classification (germline): Likely benign (1 of 4 stars; one submission).

Allele frequency attached by ClinVar (database versions not stated): 1000 Genomes Project 0.00080; ESP Exome Variant Server 0.00123; 1000 Genomes Project 30x 0.00062.
gnomAD v4.1: 2,227 of 1,614,184 alleles (0.14%); highest among the groups gnomAD compares: Non-Finnish European, 0.17%; no homozygotes.

Submission:

CeGaT Center for Human Genetics Tuebingen
Classification: Likely benign. Last evaluated: 2022-07-01. Review status: criteria provided, single submitter. Criteria: CeGaT Center For Human Genetics Tuebingen Variant Classification Criteria Version 2. Collection method: clinical testing. Allele origin: germline. Affected: yes. Observed: 1 variant allele.
Comment: TDRD6: BP4, BP7

NM_001010870.3(TDRD6):c.2403A>C (p.Leu801=)

Gene: TDRD6 (tudor domain containing 6; plus strand). Cytogenetic location: 6p12.3.
Variant type: single nucleotide variant.
Coding change: c.2403A>C on transcript NM_001010870.3 (MANE Select); coding-DNA position 2403, A replaced by C.
Protein change: p.Leu801=; no amino-acid change (leucine 801 retained).
Molecular consequence: synonymous variant.
Genome position (GRCh38, 1-based): chr6:46,690,531, A>C. VCF-style: chr6-46690531-A-C. GRCh37 (hg19) VCF-style: chr6-46658268-A-C.
Other names: c.2403A>C, p.Leu801= (NM_001168359.2).
Identifiers: ClinVar variation 2656625 (VCV002656625.24), dbSNP rs142121237, ClinGen allele CA3839159.